The following is an entry in ClinVar:

ClinVar aggregate classification (germline): Uncertain significance (1 of 4 stars; one submission).

Allele frequency attached by ClinVar (database versions not stated): gnomAD exomes below 0.00001; gnomAD 0.00001.
gnomAD v4.1: 8 of 1,614,042 alleles (0.0005%); highest among the groups gnomAD compares: South Asian, 0.0088%; no homozygotes.

Submission:

Labcorp Genetics (formerly Invitae), Labcorp
Classification: Uncertain significance. Last evaluated: 2025-04-08. Review status: criteria provided, single submitter. Criteria: Invitae Variant Classification Sherloc (09022015). Collection method: clinical testing. Allele origin: germline.
Comment: This sequence change replaces serine, which is neutral and polar, with asparagine, which is neutral and polar, at codon 145 of the IMPG1 protein (p.Ser145Asn). This variant is not present in population databases (gnomAD no frequency). This variant has not been reported in the literature in individuals affected with IMPG1-related conditions. ClinVar contains an entry for this variant (Variation ID: 2987543). An algorithm developed to predict the effect of missense changes on protein structure and function (PolyPhen-2) suggests that this variant is likely to be disruptive. In summary, the available evidence is currently insufficient to determine the role of this variant in disease. Therefore, it has been classified as a Variant of Uncertain Significance.

NM_001563.4(IMPG1):c.434G>A (p.Ser145Asn)

Gene: IMPG1 (interphotoreceptor matrix proteoglycan 1; minus strand). Cytogenetic location: 6q14.1.
Variant type: single nucleotide variant.
Coding change: c.434G>A on transcript NM_001563.4 (MANE Select); coding-DNA position 434, G replaced by A.
Protein change: p.Ser145Asn; replaces serine 145 with asparagine.
Molecular consequence: missense variant.
Genome position (GRCh38, 1-based): chr6:76,034,655, C>T on the plus strand (G>A on the coding strand, the complement: IMPG1 is on the minus strand). VCF-style: chr6-76034655-C-T. GRCh37 (hg19) VCF-style: chr6-76744372-C-T.
Other names: c.200G>A, p.Ser67Asn (NM_001282368.2); short protein forms S67N, S145N.
Identifiers: ClinVar variation 2987543 (VCV002987543.3), dbSNP rs1783704845, ClinGen allele CA364780370.